The following is an entry in ClinVar:

NM_003072.5(SMARCA4):c.3000del (p.Met1000fs)

Gene: SMARCA4 (SWI/SNF related BAF chromatin remodeling complex subunit ATPase 4; plus strand). Cytogenetic location: 19p13.2.
Variant type: Deletion.
Coding change: c.3000del on transcript NM_003072.5 (MANE Select); coding-DNA position 3000, one base deleted (G; older notation c.3000delG).
Protein change: p.Met1000fs; shifts the reading frame from methionine 1000.
Molecular consequence: frameshift variant. On other transcripts: non-coding transcript variant (1).
Genome position (GRCh38, 1-based): chr19:11,024,357, G deleted. VCF-style (leftmost placement, unchanged base first): chr19-11024356-TG-T. GRCh37 (hg19) VCF-style: chr19-11135032-TG-T.
Other names: c.3000del, p.Met1000fs (NM_001128844.3, NM_001128845.2, NM_001128846.2 and 4 more transcripts); short protein forms M1000fs.
Identifiers: ClinVar variation 822552 (VCV000822552.6), dbSNP rs1600300837, ClinGen allele CA915951629.

ClinVar aggregate classification (germline): Pathogenic. Review status: criteria provided, single submitter (1 of 4 stars). 2 submissions from 2 submitters: Pathogenic (1). 1 of the submissions does not count toward it. Last evaluated 2026-01-12.

Conditions:
Hereditary cancer-predisposing syndrome. Also called: Tumor predisposition; Neoplastic Syndromes, Hereditary; Hereditary Cancer Syndrome; Hereditary neoplastic syndrome. Identifiers: Orphanet 140162, MedGen C0027672, MeSH D009386, MONDO:0015356.
SMARCA4-related disorder. Also called: SMARCA4-related condition.

Submissions (2):

Ambry Genetics
Classification: Pathogenic for Hereditary cancer-predisposing syndrome. Last evaluated: 2026-01-12. Review status: criteria provided, single submitter. Criteria: Ambry Variant Classification Scheme 2023. Collection method: clinical testing. Allele origin: germline.
Comment: The c.3000delG pathogenic mutation, located in coding exon 20 of the SMARCA4 gene, results from a deletion of one nucleotide at nucleotide position 3000, causing a translational frameshift with a predicted alternate stop codon (p.M1000Ifs*19). This variant is considered to be rare based on population cohorts in the Genome Aggregation Database (gnomAD). This alteration is expected to result in loss of function by premature protein truncation or nonsense-mediated mRNA decay. Loss-of-function variants in SMARCA4 are known to cause rhabdoid tumor predisposition syndrome including small cell carcinoma of the ovary-hypercalcemic type (SCCOHT); however, such associations with neurodevelopmental disorders are exceedingly rare (Kosho T et al. Am J Med Genet C Semin Med Genet. 2014 Sep;166C(3):262-75; Jelinic P et al. Nat Genet. 2014 May;46(5):424-6). Based on the supporting evidence, this alteration is pathogenic for rhabdoid tumor predisposition syndrome; however, the association of this alteration with Coffin-Siris syndrome is unlikely.

PreventionGenetics, part of Exact Sciences
Classification: Pathogenic for SMARCA4-related condition. Last evaluated: 2024-03-29. Review status: no assertion criteria provided. Collection method: clinical testing. Allele origin: germline. Not counted in ClinVar's aggregate classification.
Comment: The SMARCA4 c.3000delG variant is predicted to result in a frameshift and premature protein termination (p.Met1000Ilefs*19). To our knowledge, this variant has not been reported in the literature or in a large population database, indicating this variant is rare. This variant is interpreted as pathogenic in ClinVar. Frameshift variants in SMARCA4 are expected to be pathogenic. This variant is interpreted as pathogenic.